The following is an entry in ClinVar:

ClinVar aggregate classification (germline): Likely pathogenic (1 of 4 stars; one submission).

Conditions:
Breast-ovarian cancer, familial, susceptibility to, 2 (BROVCA2). Also called: BRCA2 Hereditary Breast and Ovarian Cancer. Identifiers: Orphanet 145, MedGen C2675520, MONDO:0012933, OMIM 612555. Disease mechanism: loss of function.

Submission:

EVOGEN
Classification: Likely pathogenic for Breast-ovarian cancer, familial, susceptibility to, 2. Last evaluated: 2024-08-30. Review status: criteria provided, single submitter. Criteria: ACMG Guidelines, 2015. Collection method: clinical testing. Allele origin: germline. Affected: yes.
Comment: PVS1: Null variant (frame-shift) in gene BRCA2, predicted to cause NMD. Loss-of-function is a known mechanism of disease (gene has 5 493 reported pathogenic LOF variants). The exon contains 22 pathogenic variants. The truncated region contains 5 299 pathogenic variants. PM2: Variant not found in gnomAD genomes, good gnomAD genomes coverage = 31.1. Variant not found in gnomAD exomes, good gnomAD exomes coverage = 26.6. Moscow City Health Department financial support

NM_000059.4(BRCA2):c.673dup (p.Thr225fs)

Gene: BRCA2 (BRCA2 DNA repair associated; plus strand). Cytogenetic location: 13q13.1.
Variant type: Duplication.
Coding change: c.673dup on transcript NM_000059.4 (MANE Select); coding-DNA position 673, one base duplicated (A; older notation c.673dupA).
Protein change: p.Thr225fs; shifts the reading frame from threonine 225.
Molecular consequence: frameshift variant. On other transcripts: non-coding transcript variant (1).
Genome position (GRCh38, 1-based): chr13:32,329,484, A duplicated. VCF-style (leftmost placement, unchanged base first): chr13-32329483-T-TA. GRCh37 (hg19) VCF-style: chr13-32903620-T-TA.
Other names: c.673dup, p.Thr225fs (NM_001406719.1, NM_001406720.1, NM_001406721.1 and 1 more transcripts); c.304dup, p.Thr102fs (NM_001406722.1); short protein forms T102fs, T225fs.
Identifiers: ClinVar variation 4690229 (VCV004690229.1).